The following is an entry in ClinVar:

NM_000038.6(APC):c.834+3347A>C

Gene: APC (APC regulator of WNT signaling pathway; plus strand). Cytogenetic location: 5q22.2.
Variant type: single nucleotide variant.
Coding change: c.834+3347A>C on transcript NM_000038.6 (MANE Select); 3347 bases into the intron after coding-DNA position 834, A replaced by C.
Molecular consequence: intron variant.
Genome position (GRCh38, 1-based): chr5:112,804,730, A>C. VCF-style: chr5-112804730-A-C. GRCh37 (hg19) VCF-style: chr5-112140427-A-C.
Other names: c.834+3347A>C (NM_001354895.2, NM_001127510.3, NM_001354896.2 and 1 more transcripts); c.864+3347A>C (NM_001354897.2, NM_001354902.2); c.780+3347A>C (NM_001127511.3); c.759+3347A>C (NM_001354898.2, NM_001354904.2); c.-202+3347A>C (NM_001354906.2); c.750+3347A>C (NM_001354899.2); c.657+3347A>C (NM_001354900.2, NM_001354901.2, NM_001354905.2).
Identifiers: ClinVar variation 82520 (VCV000082520.2), dbSNP rs77980729, ClinGen allele CA014701.

ClinVar aggregate classification (germline): other (0 of 4 stars; one submission).

Conditions:
Familial colorectal cancer. Identifiers: MedGen CN280943, MONDO:0023113. Disease mechanism: loss of function.

Submission:

Systems Biology Platform Zhejiang California International NanoSystems Institute
Classification: other for Familial colorectal cancer. Review status: no assertion criteria provided. Collection method: not provided. Allele origin: unknown.
ClinVar note: Converted during submission from cancer to other.